The following is an entry in ClinVar:

NM_002109.6(HARS1):c.409C>T (p.Arg137Trp)

Gene: HARS1 (histidyl-tRNA synthetase 1; minus strand). Cytogenetic location: 5q31.3.
Variant type: single nucleotide variant.
Coding change: c.409C>T on transcript NM_002109.6 (MANE Select); coding-DNA position 409, C replaced by T.
Protein change: p.Arg137Trp; replaces arginine 137 with tryptophan.
Molecular consequence: missense variant. On other transcripts: intron variant (2).
Genome position (GRCh38, 1-based): chr5:140,679,115, G>A on the plus strand (C>T on the coding strand, the complement: HARS1 is on the minus strand). VCF-style: chr5-140679115-G-A. GRCh37 (hg19) VCF-style: chr5-140058700-G-A.
Other names: c.409C>T (NM_002109.4); c.289C>T, p.Arg97Trp (NM_001258040.3, NM_001258042.3); c.409C>T, p.Arg137Trp (NM_001258041.3); c.322C>T, p.Arg108Trp (NM_001289094.2); c.181-1100C>T (NM_001289093.2); c.301-1100C>T (NM_001289092.2); short protein forms R108W, R137W, R97W.
Identifiers: ClinVar variation 861899 (VCV000861899.12), dbSNP rs1408800953, ClinGen allele CA361257388.
Genomic context (GRCh38, chr5:140,679,115, plus strand): 5'-GATATACCTTTGCTATGTGGTAGCGTTTAATGTTGGTCAGTTTATTCATTGCCAAATACC[G>A]AGCAAAAGGAACCTGATGACAAAGAGTTAAGGAGAAAGCCCCTCCTATCACTGTCTGCAA-3'
Protein context (NP_002100.2, residues 127-147): LRYDLTVPFA[Arg137Trp]YLAMNKLTNI

ClinVar aggregate classification (germline): Uncertain significance. Review status: criteria provided, multiple submitters, no conflicts (2 of 4 stars). 2 submissions from 2 submitters: Uncertain significance (2). Last evaluated 2025-05-18.

Conditions:
Usher syndrome type 3B. Also called: USHER SYNDROME, TYPE IIIB. Identifiers: MedGen C3281066, MONDO:0013788, OMIM 614504.

Allele frequency attached by ClinVar (database versions not stated): gnomAD 0.00001; gnomAD exomes 0.00001; TOPMed 0.00001.
gnomAD v4.1: 14 of 1,613,688 alleles (0.00087%); highest among the groups gnomAD compares: East Asian, 0.0022%; no homozygotes.

Submissions (2):

Labcorp Genetics (formerly Invitae), Labcorp
Classification: Uncertain significance for Usher syndrome type 3B. Last evaluated: 2025-05-18. Review status: criteria provided, single submitter. Criteria: Invitae Variant Classification Sherloc (09022015). Collection method: clinical testing. Allele origin: germline.
Comment: This sequence change replaces arginine, which is basic and polar, with tryptophan, which is neutral and slightly polar, at codon 137 of the HARS protein (p.Arg137Trp). This variant is not present in population databases (gnomAD no frequency). This missense change has been observed in individual(s) with clinical features of peripheral neuropathy (internal data). ClinVar contains an entry for this variant (Variation ID: 861899). Invitae Evidence Modeling of protein sequence and biophysical properties (such as structural, functional, and spatial information, amino acid conservation, physicochemical variation, residue mobility, and thermodynamic stability) indicates that this missense variant is expected to disrupt HARS protein function with a positive predictive value of 80%. In summary, the available evidence is currently insufficient to determine the role of this variant in disease. Therefore, it has been classified as a Variant of Uncertain Significance.

Revvity Omics, Revvity
Classification: Uncertain significance. Last evaluated: 2019-05-07. Review status: criteria provided, single submitter. Criteria: ACMG Guidelines, 2015. Collection method: clinical testing. Allele origin: germline.